The following is an entry in ClinVar:

NM_001038603.3(MARVELD2):c.490C>T (p.Arg164Ter)

Gene: MARVELD2 (MARVEL domain containing 2; plus strand). Cytogenetic location: 5q13.2.
Variant type: single nucleotide variant.
Coding change: c.490C>T on transcript NM_001038603.3 (MANE Select); coding-DNA position 490, C replaced by T.
Protein change: p.Arg164Ter; replaces arginine 164 with a stop codon.
Molecular consequence: nonsense.
Genome position (GRCh38, 1-based): chr5:69,419,875, C>T. VCF-style: chr5-69419875-C-T. GRCh37 (hg19) VCF-style: chr5-68715702-C-T.
Other names: c.490C>T, p.Arg164Ter (NM_001244734.2); short protein forms R164*.
Identifiers: ClinVar variation 1254896 (VCV001254896.3), dbSNP rs748896801, ClinGen allele CA3294059.

ClinVar aggregate classification (germline): Likely pathogenic. Review status: criteria provided, multiple submitters, no conflicts (2 of 4 stars). 2 submissions from 2 submitters: Likely pathogenic (2). Last evaluated 2023-09-14.

Conditions:
Autosomal recessive nonsyndromic hearing loss 49. Also called: Deafness, neurosensory, autosomal recessive 49. Identifiers: Orphanet 90636, MedGen C1857811, MONDO:0012420, OMIM 610153.

Allele frequency attached by ClinVar (database versions not stated): gnomAD 0.00001; gnomAD exomes 0.00001 and 0.00002; ExAC 0.00002; TOPMed 0.00002.
gnomAD v4.1: 14 of 1,613,978 alleles (0.00087%); highest among the groups gnomAD compares: East Asian, 0.0022%; no homozygotes.

Submissions (2):

Revvity Omics, Revvity
Classification: Likely pathogenic for Autosomal recessive nonsyndromic hearing loss 49. Last evaluated: 2023-09-14. Review status: criteria provided, single submitter. Criteria: ACMG Guidelines, 2015. Collection method: clinical testing. Allele origin: germline.

GeneDx
Classification: Likely pathogenic. Last evaluated: 2021-08-09. Review status: criteria provided, single submitter. Criteria: GeneDx Variant Classification Process June 2021. Collection method: clinical testing. Allele origin: germline. Affected: yes.
Comment: Nonsense variant predicted to result in protein truncation or nonsense mediated decay in a gene for which loss-of-function is a known mechanism of disease; Not observed at a significant frequency in large population cohorts (Lek et al., 2016); Has not been previously published as pathogenic or benign to our knowledge